The following is an entry in ClinVar:

NM_001211.6(BUB1B):c.271C>G (p.Gln91Glu)

Gene: BUB1B (BUB1 mitotic checkpoint serine/threonine kinase B; plus strand). Cytogenetic location: 15q15.1.
Variant type: single nucleotide variant.
Coding change: c.271C>G on transcript NM_001211.6 (MANE Select); coding-DNA position 271, C replaced by G.
Protein change: p.Gln91Glu; replaces glutamine 91 with glutamic acid.
Molecular consequence: missense variant.
Genome position (GRCh38, 1-based): chr15:40,170,568, C>G. VCF-style: chr15-40170568-C-G. GRCh37 (hg19) VCF-style: chr15-40462769-C-G.
Other names: short protein forms Q91E.
Identifiers: ClinVar variation 1795159 (VCV001795159.3), dbSNP rs765985399, ClinGen allele CA7475439.
Genomic context (GRCh38, chr15:40,170,568, plus strand): 5'-TGTGTTCTTATCTTTTTCCTCCCATTTAGGTATATCAGCTGGACAGAGCAGAACTATCCT[C>G]AAGGTGGGAAGGAGAGTAATATGTCAACGTTATTAGAAAGAGCTGTAGAAGCACTACAAG-3'
Protein context (NP_001202.5, residues 81-101): YISWTEQNYP[Gln91Glu]GGKESNMSTL

ClinVar aggregate classification (germline): Uncertain significance (1 of 4 stars; one submission).

Conditions:
Inborn genetic diseases. Identifiers: MedGen C0950123, MeSH D030342.

Allele frequency attached by ClinVar (database versions not stated): gnomAD exomes 0.00001; TOPMed below 0.00001; ExAC 0.00002.
gnomAD v4.1: 4 of 1,613,510 alleles (0.00025%); highest among the groups gnomAD compares: Admixed American, 0.0067%; no homozygotes.

Submission:

Ambry Genetics
Classification: Uncertain significance for Inborn genetic diseases. Last evaluated: 2025-12-14. Review status: criteria provided, single submitter. Criteria: Ambry Variant Classification Scheme 2023. Collection method: clinical testing. Allele origin: germline.
Comment: The p.Q91E variant (also known as c.271C>G), located in coding exon 4 of the BUB1B gene, results from a C to G substitution at nucleotide position 271. The glutamine at codon 91 is replaced by glutamic acid, an amino acid with highly similar properties. This amino acid position is conserved. In addition, this alteration is predicted to be tolerated by in silico analysis. Since supporting evidence is limited at this time, the clinical significance of this alteration remains unclear.